The following is an entry in ClinVar:

ClinVar aggregate classification (germline): Uncertain significance (1 of 4 stars; one submission).

Conditions:
Parathyroid carcinoma (PRTC). Also called: CDC73-Related Parathyroid Carcinoma; Parathyroid gland carcinoma. Identifiers: Orphanet 143, MedGen C0687150, MONDO:0012004, OMIM 608266, HP:0006780.

Submission:

Labcorp Genetics (formerly Invitae), Labcorp
Classification: Uncertain significance for Parathyroid carcinoma. Last evaluated: 2022-05-27. Review status: criteria provided, single submitter. Criteria: Invitae Variant Classification Sherloc (09022015). Collection method: clinical testing. Allele origin: germline.
Comment: In summary, the available evidence is currently insufficient to determine the role of this variant in disease. Therefore, it has been classified as a Variant of Uncertain Significance. Algorithms developed to predict the effect of missense changes on protein structure and function (SIFT, PolyPhen-2, Align-GVGD) all suggest that this variant is likely to be tolerated. This variant has not been reported in the literature in individuals affected with CDC73-related conditions. This variant is not present in population databases (gnomAD no frequency). This sequence change replaces alanine, which is neutral and non-polar, with threonine, which is neutral and polar, at codon 418 of the CDC73 protein (p.Ala418Thr).

NM_024529.5(CDC73):c.1252G>A (p.Ala418Thr)

Gene: CDC73 (cell division cycle 73; plus strand). Cytogenetic location: 1q31.2.
Variant type: single nucleotide variant.
Coding change: c.1252G>A on transcript NM_024529.5 (MANE Select); coding-DNA position 1252, G replaced by A.
Protein change: p.Ala418Thr; replaces alanine 418 with threonine.
Molecular consequence: missense variant.
Genome position (GRCh38, 1-based): chr1:193,233,090, G>A. VCF-style: chr1-193233090-G-A. GRCh37 (hg19) VCF-style: chr1-193202220-G-A.
Other names: short protein forms A418T.
Identifiers: ClinVar variation 2186464 (VCV002186464.4), dbSNP rs2102058390, ClinGen allele CA344077930.